The following is an entry in ClinVar:

ClinVar aggregate classification (germline): Uncertain significance. Review status: criteria provided, multiple submitters, no conflicts (2 of 4 stars). 2 submissions from 2 submitters: Uncertain significance (2). Last evaluated 2022-03-24.

Submissions (2):

Labcorp Genetics (formerly Invitae), Labcorp
Classification: Uncertain significance. Last evaluated: 2022-03-24. Review status: criteria provided, single submitter. Criteria: Invitae Variant Classification Sherloc (09022015). Collection method: clinical testing. Allele origin: germline.
Comment: This variant is not present in population databases (gnomAD no frequency). In summary, the available evidence is currently insufficient to determine the role of this variant in disease. Therefore, it has been classified as a Variant of Uncertain Significance. Experimental studies and prediction algorithms are not available or were not evaluated, and the functional significance of this variant is currently unknown. This variant has not been reported in the literature in individuals affected with USB1-related conditions. This variant, c.779_781del, results in the deletion of 1 amino acid(s) of the USB1 protein (p.Phe260del), but otherwise preserves the integrity of the reading frame.

Genetic Services Laboratory, University of Chicago
Classification: Uncertain significance. Last evaluated: 2021-09-17. Review status: criteria provided, single submitter. Criteria: ACMG Guidelines, 2015. Collection method: clinical testing. Allele origin: germline. Affected: no.
Comment: DNA sequence analysis of the USB1 gene demonstrated a three base pair deletion in exon 7, c.779_781del. This in-frame deletion is predicted to result in the deletion of a phenylalanine amino acid residue, p.Phe260del. This sequence change does not appear to have been previously described in individuals with USB1-related disorders. It is absent in the gnomAD population database. Due to the lack of sufficient evidence, the clinical significance of the c.779_781del change remains unknown at this time.

NM_024598.4(USB1):c.776TCT[1] (p.Phe260del)

Gene: USB1 (U6 snRNA biogenesis phosphodiesterase 1; plus strand). Cytogenetic location: 16q21.
Variant type: Microsatellite.
Coding change: c.776TCT[1] on transcript NM_024598.4 (MANE Select); one copy of the 3-base unit TCT starting at c.776; the reference has two copies in a row; one copy, 3 bases deleted.
Protein change: p.Phe260del; deletes phenylalanine 260.
Molecular consequence: inframe deletion.
Genome position (GRCh38, 1-based): chr16:58,020,226-58,020,228, TCT deleted; deleting any 3 consecutive bases within chr16:58,020,222-58,020,228 gives the same sequence; the position shown is the placement nearest the transcript's 3' end. VCF-style (leftmost placement, unchanged base first): chr16-58020221-GTTC-G. GRCh37 (hg19) VCF-style: chr16-58054125-GTTC-G.
Other names: c.722TCT[1], p.Phe242del (NM_001195302.2); c.623TCT[1], p.Phe209del (NM_001330568.2); short protein forms F209del, F242del, F260del.
Identifiers: ClinVar variation 1338657 (VCV001338657.10), dbSNP rs2142314709, ClinGen allele CA2580613881.